The following is an entry in ClinVar:

ClinVar aggregate classification (germline): Uncertain significance (1 of 4 stars; one submission).

Conditions:
Hyperkalemic periodic paralysis. Also called: Familial hyperkalemic periodic paralysis; Gamstorp disease. Identifiers: Orphanet 682, MedGen C0238357, MONDO:0008224, OMIM 170500, HP:0007215.

Submission:

Labcorp Genetics (formerly Invitae), Labcorp
Classification: Uncertain significance for Hyperkalemic periodic paralysis. Last evaluated: 2022-07-26. Review status: criteria provided, single submitter. Criteria: Invitae Variant Classification Sherloc (09022015). Collection method: clinical testing. Allele origin: germline.
Comment: Algorithms developed to predict the effect of missense changes on protein structure and function (SIFT, PolyPhen-2, Align-GVGD) all suggest that this variant is likely to be tolerated. In summary, the available evidence is currently insufficient to determine the role of this variant in disease. Therefore, it has been classified as a Variant of Uncertain Significance. ClinVar contains an entry for this variant (Variation ID: 942641). This variant has not been reported in the literature in individuals affected with SCN4A-related conditions. This variant is not present in population databases (gnomAD no frequency). This sequence change replaces histidine, which is basic and polar, with arginine, which is basic and polar, at codon 911 of the SCN4A protein (p.His911Arg).

NM_000334.4(SCN4A):c.2732A>G (p.His911Arg)

Genes: GH-LCR (growth hormone locus control region; plus strand), SCN4A (sodium voltage-gated channel alpha subunit 4; minus strand). Cytogenetic location: 17q23.3.
Variant type: single nucleotide variant.
Coding change: c.2732A>G on transcript NM_000334.4 (MANE Select); coding-DNA position 2732, A replaced by G.
Protein change: p.His911Arg; replaces histidine 911 with arginine.
Molecular consequence: missense variant.
Genome position (GRCh38, 1-based): chr17:63,951,545, T>C on the plus strand (A>G on the coding strand, the complement: SCN4A is on the minus strand). VCF-style: chr17-63951545-T-C. GRCh37 (hg19) VCF-style: chr17-62028905-T-C.
Other names: short protein forms H911R.
Identifiers: ClinVar variation 942641 (VCV000942641.10), dbSNP rs1908907908, ClinGen allele CA400625359.